The following is an entry in ClinVar:

ClinVar aggregate classification (germline): Uncertain significance. Review status: criteria provided, multiple submitters, no conflicts (2 of 4 stars). 2 submissions from 2 submitters: Uncertain significance (2). Last evaluated 2025-08-23.

Conditions:
Inborn genetic diseases. Identifiers: MedGen C0950123, MeSH D030342.
Severe combined immunodeficiency due to CORO1A deficiency. Also called: Immunodeficiency 8; IMMUNODEFICIENCY 8 WITH LYMPHOPROLIFERATION. Identifiers: Orphanet 228003, MedGen C3809383, MONDO:0014168, OMIM 615401.

Allele frequency attached by ClinVar (database versions not stated): gnomAD exomes 0.00004 and 0.00005; ExAC 0.00006; TOPMed 0.00009; gnomAD 0.00010 and 0.00011; ESP Exome Variant Server 0.00015; 1000 Genomes Project 0.00060; 1000 Genomes Project 30x 0.00078.

Submissions (2):

Ambry Genetics
Classification: Uncertain significance for Inborn genetic diseases. Last evaluated: 2025-08-23. Review status: criteria provided, single submitter. Criteria: Ambry Variant Classification Scheme 2023. Collection method: clinical testing. Allele origin: germline.

Labcorp Genetics (formerly Invitae), Labcorp
Classification: Uncertain significance for Severe combined immunodeficiency due to CORO1A deficiency. Last evaluated: 2022-07-19. Review status: criteria provided, single submitter. Criteria: Invitae Variant Classification Sherloc (09022015). Collection method: clinical testing. Allele origin: germline.
Comment: This sequence change replaces proline, which is neutral and non-polar, with threonine, which is neutral and polar, at codon 217 of the CORO1A protein (p.Pro217Thr). This variant is present in population databases (rs141827038, gnomAD 0.03%). This variant has not been reported in the literature in individuals affected with CORO1A-related conditions. ClinVar contains an entry for this variant (Variation ID: 1442051). Algorithms developed to predict the effect of missense changes on protein structure and function (SIFT, PolyPhen-2, Align-GVGD) all suggest that this variant is likely to be tolerated. In summary, the available evidence is currently insufficient to determine the role of this variant in disease. Therefore, it has been classified as a Variant of Uncertain Significance.

NM_007074.4(CORO1A):c.649C>A (p.Pro217Thr)

Genes: CORO1A (coronin 1A; plus strand), LOC121587541 (Sharpr-MPRA regulatory region 7413; plus strand). Cytogenetic location: 16p11.2.
Variant type: single nucleotide variant.
Coding change: c.649C>A on transcript NM_007074.4 (MANE Select); coding-DNA position 649, C replaced by A.
Protein change: p.Pro217Thr; replaces proline 217 with threonine.
Molecular consequence: missense variant.
Genome position (GRCh38, 1-based): chr16:30,187,394, C>A. VCF-style: chr16-30187394-C-A. GRCh37 (hg19) VCF-style: chr16-30198715-C-A.
Other names: c.649C>A, p.Pro217Thr (NM_001193333.3); c.649C>A (NM_007074.3); short protein forms P217T.
Identifiers: ClinVar variation 1442051 (VCV001442051.6), dbSNP rs141827038, ClinGen allele CA8003202.